The following is an entry in ClinVar:

NM_000298.6(PKLR):c.1075C>A (p.Arg359Ser)

Gene: PKLR (pyruvate kinase L/R; minus strand). Cytogenetic location: 1q22.
Variant type: single nucleotide variant.
Coding change: c.1075C>A on transcript NM_000298.6 (MANE Select); coding-DNA position 1075, C replaced by A.
Protein change: p.Arg359Ser; replaces arginine 359 with serine.
Molecular consequence: missense variant.
Genome position (GRCh38, 1-based): chr1:155,294,276, G>T on the plus strand (C>A on the coding strand, the complement: PKLR is on the minus strand). VCF-style: chr1-155294276-G-T. GRCh37 (hg19) VCF-style: chr1-155264067-G-T.
Other names: c.982C>A, p.Arg328Ser (NM_181871.4); short protein forms R328S, R359S.
Identifiers: ClinVar variation 4294004 (VCV004294004.1).
Genomic context (GRCh38, chr1:155,294,276, plus strand): 5'-TCAAGGCCTCACTCCAGACCTGTGTGGCACAGACAACAGGCTTGCCCGCCAAGTTGCAGC[G>T]CCCAATCATCATCTTCTGAGCCAGGAAAACCTTCTCTGCTGGGATCTCGATGCCTAGGTC-3'
Protein context (NP_000289.1, residues 349-369): VFLAQKMMIG[Arg359Ser]CNLAGKPVVC

ClinVar aggregate classification (germline): Uncertain significance (1 of 4 stars; one submission).

Conditions:
Pyruvate kinase deficiency of red cells (CNSHA2). Also called: PK DEFICIENCY; PYRUVATE KINASE DEFICIENCY OF ERYTHROCYTE; Pyruvate kinase deficiency, Amish type. Identifiers: Orphanet 766, MedGen C0340968, MONDO:0009950, OMIM 266200.

gnomAD v4.1: 1 of 1,614,080 alleles (0.000062%); highest among the groups gnomAD compares: Admixed American, 0.0017%; no homozygotes.

Submission:

3billion
Classification: Uncertain significance for Pyruvate kinase deficiency of red cells. Last evaluated: 2025-03-04. Review status: criteria provided, single submitter. Criteria: ACMG Guidelines, 2015. Collection method: clinical testing. Allele origin: germline. Affected: yes.
Comment: The variant is observed at an extremely low frequency in the gnomAD v4.1.0 dataset (total allele frequency: <0.001%). Predicted Consequence/Location: Missense variant In silico tool predictions suggest damaging effect of the variant on gene or gene product [REVEL: 0.87 (>=0.6, sensitivity 0.68 and specificity 0.92)]. Different missense changes at the same codon (p.Arg359Cys, p.Arg359His, p.Arg359Pro) have been reported to be associated with PKLR-related disorder (ClinVar ID: VCV000811313, VCV002627034 /PMID: 32043619, 8483951, 8579052). However the evidence of pathogenicity is insufficient at this time. Therefore, this variant is classified as VUS according to the recommendation of ACMG/AMP guideline.

Literature cited by the submitters: PubMed 32043619.